The following is an entry in ClinVar:

ClinVar aggregate classification (germline): Uncertain significance (1 of 4 stars; one submission).

Conditions:
Mitochondrial DNA depletion syndrome 13. Also called: FBXL4-Related Encephalomyopathic Mitochondrial DNA Depletion Syndrome; Mitochondrial DNA depletion syndrome 13 (encephalomyopathic type). Identifiers: Orphanet 369897, MedGen C3809592, MONDO:0014198, OMIM 615471.

Allele frequency attached by ClinVar (database versions not stated): ExAC 0.00001; gnomAD exomes 0.00001.
gnomAD v4.1: 6 of 1,592,464 alleles (0.00038%); highest among the groups gnomAD compares: South Asian, 0.0069%; no homozygotes.

Submission:

Wong Mito Lab, Molecular and Human Genetics, Baylor College of Medicine
Classification: Uncertain significance for Mitochondrial DNA depletion syndrome 13. Last evaluated: 2017-08-10. Review status: criteria provided, single submitter. Criteria: ACMG Guidelines, 2015. Collection method: reference population. Allele origin: germline.
Comment: The NM_012160.4:c.1859C>G (NP_036292.2:p.Thr620Ser) [GRCH38: NC_000006.12:g.98874285G>C] variant in FBXL4 gene is interpretated to be a Uncertain Significance - Insufficient Evidence based on ACMG guidelines (PMID: 25741868). This variant meets one or more of the following evidence codes reported in the ACMG-guideline. PM2:This variant is absent in key population databases. Based on this evidence code ClinGen Pathogenicity Calculator (PMID:28081714) suggested that the variant is Uncertain Significance - Insufficient Evidence.

NM_001278716.2(FBXL4):c.1859C>G (p.Thr620Ser)

Gene: FBXL4 (F-box and leucine rich repeat protein 4; minus strand). Cytogenetic location: 6q16.1.
Variant type: single nucleotide variant.
Coding change: c.1859C>G on transcript NM_001278716.2 (MANE Select); coding-DNA position 1859, C replaced by G.
Protein change: p.Thr620Ser; replaces threonine 620 with serine.
Molecular consequence: missense variant. On other transcripts: non-coding transcript variant (1).
Genome position (GRCh38, 1-based): chr6:98,874,285, G>C on the plus strand (C>G on the coding strand, the complement: FBXL4 is on the minus strand). VCF-style: chr6-98874285-G-C. GRCh37 (hg19) VCF-style: chr6-99322161-G-C.
Other names: c.1859C>G, p.Thr620Ser (NM_012160.5); short protein forms T620S.
Identifiers: ClinVar variation 437822 (VCV000437822.1), dbSNP rs767709670, ClinGen allele CA3933334.